The following is an entry in ClinVar:

ClinVar aggregate classification (germline): Uncertain significance (1 of 4 stars; one submission).

Conditions:
Arrhythmogenic right ventricular cardiomyopathy (ARVD). Also called: Arrhythmogenic right ventricular dysplasia; Cardiomyopathy, ARVC; Arrhythmogenic cardiomyopathy; Arrhythmogenic Right Ventricular Cardiomyopathy (ARVC). Identifiers: Orphanet 247, MedGen C0349788, MeSH D019571, MONDO:0016587. Disease mechanism: loss of function. Inheritance: Various modes of inheritance.

Submission:

All of Us Research Program, National Institutes of Health
Classification: Uncertain significance for Arrhythmogenic right ventricular cardiomyopathy. Last evaluated: 2023-10-23. Review status: criteria provided, single submitter. Criteria: ACMG Guidelines, 2015. Collection method: clinical testing. Allele origin: germline. Inheritance: Autosomal dominant inheritance. Observed: 1 variant allele, 1 heterozygote.
Comment: This variant inserts 2 nucleotides in exon 15 of the DSG2 gene, creating a frameshift and premature translation stop signal in the last exon. This variant is expected to result in an absent or non-functional protein product. To our knowledge, this variant has not been reported in individuals affected with cardiovascular disorders in the literature. This variant has not been identified in the general population by the Genome Aggregation Database (gnomAD). The available evidence is insufficient to determine the role of this variant in disease conclusively. Therefore, this variant is classified as a Variant of Uncertain Significance.

This study involves interpretation of variants in research participants for the purpose of population health screening. Participant phenotype was not available at the time of variant classification. Additional details can be found in publication PMID: 35346344, PMCID: PMC8962531

NM_001943.5(DSG2):c.3151_3152dup (p.Leu1051_Ala1052insTer)

Genes: DSG2 (desmoglein 2; plus strand), DSG2-AS1 (DSG2 antisense RNA 1; minus strand). Cytogenetic location: 18q12.1.
Variant type: Duplication.
Coding change: c.3151_3152dup on transcript NM_001943.5 (MANE Select); coding-DNA positions 3151 to 3152, 2 bases duplicated (CT; older notation c.3151_3152dupCT).
Protein change: p.Leu1051_Ala1052insTer.
Molecular consequence: frameshift variant.
Genome position (GRCh38, 1-based): chr18:31,546,537-31,546,538, CT duplicated; duplicating any 2 consecutive bases within chr18:31,546,536-31,546,538 gives the same sequence; the c. name uses the placement nearest the transcript's 3' end. VCF-style (leftmost placement, unchanged base first): chr18-31546535-T-TTC. GRCh37 (hg19) VCF-style: chr18-29126498-T-TTC.
Identifiers: ClinVar variation 3074023 (VCV003074023.1), dbSNP rs2510922779, ClinGen allele CA2825002684.